The following is an entry in ClinVar:

NM_001370259.2(MEN1):c.523C>A (p.Leu175Ile)

Gene: MEN1 (menin 1; minus strand). Cytogenetic location: 11q13.1.
Variant type: single nucleotide variant.
Coding change: c.523C>A on transcript NM_001370259.2 (MANE Select); coding-DNA position 523, C replaced by A.
Protein change: p.Leu175Ile; replaces leucine 175 with isoleucine.
Molecular consequence: missense variant. On other transcripts: non-coding transcript variant (4).
Genome position (GRCh38, 1-based): chr11:64,808,022, G>T on the plus strand (C>A on the coding strand, the complement: MEN1 is on the minus strand). VCF-style: chr11-64808022-G-T. GRCh37 (hg19) VCF-style: chr11-64575494-G-T.
Other names: c.538C>A, p.Leu180Ile (NM_000244.4, NM_130800.3, NM_130801.3 and 5 more transcripts); c.523C>A, p.Leu175Ile (NM_001370251.2, NM_001370260.2, NM_001370261.2 and 12 more transcripts); short protein forms L175I, L180I.
Identifiers: ClinVar variation 3294206 (VCV003294206.1).

ClinVar aggregate classification (germline): Uncertain significance (1 of 4 stars; one submission).

Conditions:
Hereditary cancer-predisposing syndrome. Also called: Tumor predisposition; Hereditary Cancer Syndrome; Hereditary neoplastic syndrome; Neoplastic Syndromes, Hereditary. Identifiers: Orphanet 140162, MedGen C0027672, MeSH D009386, MONDO:0015356.

Submission:

Ambry Genetics
Classification: Uncertain significance for Hereditary cancer-predisposing syndrome. Last evaluated: 2024-03-28. Review status: criteria provided, single submitter. Criteria: Ambry Variant Classification Scheme 2023. Collection method: clinical testing. Allele origin: germline.
Comment: The p.L175I variant (also known as c.523C>A), located in coding exon 2 of the MEN1 gene, results from a C to A substitution at nucleotide position 523. The leucine at codon 175 is replaced by isoleucine, an amino acid with highly similar properties. This amino acid position is conserved. In addition, this alteration is predicted to be deleterious by in silico analysis. Based on the available evidence, the clinical significance of this alteration remains unclear.